The following is an entry in ClinVar:

NM_006121.4(KRT1):c.1074C>T (p.Tyr358=)

Gene: KRT1 (keratin 1; minus strand). Cytogenetic location: 12q13.13.
Variant type: single nucleotide variant.
Coding change: c.1074C>T on transcript NM_006121.4 (MANE Select); coding-DNA position 1074, C replaced by T.
Protein change: p.Tyr358=; no amino-acid change (tyrosine 358 retained).
Molecular consequence: synonymous variant.
Genome position (GRCh38, 1-based): chr12:52,677,370, G>A on the plus strand (C>T on the coding strand, the complement: KRT1 is on the minus strand). VCF-style: chr12-52677370-G-A. GRCh37 (hg19) VCF-style: chr12-53071154-G-A.
Identifiers: ClinVar variation 309645 (VCV000309645.40), dbSNP rs150503977, ClinGen allele CA6586271.

ClinVar aggregate classification (germline): Benign/Likely benign. Review status: criteria provided, multiple submitters, no conflicts (2 of 4 stars). 7 submissions from 6 submitters: Benign (3); Likely benign (4). Last evaluated 2025-10-14.

Conditions:
Diffuse nonepidermolytic palmoplantar keratoderma (NEPPK). Also called: Nonepidermolytic palmoplantar keratoderma; Nonepidermolytic palmoplantar hyperkeratosis. Identifiers: Orphanet 530838, MedGen C1833030, MONDO:0010962, OMIM 600962, HP:0007404.
Epidermolytic ichthyosis. Also called: Epidermolytic Hyperkeratosis; Congenital bullous ichthyosiform erythroderma; KRT10-Related Epidermolytic Hyperkeratosis; Bullous ichthyosiform erythroderma. Identifiers: Orphanet 312, MedGen C0079153, MONDO:0007239, HP:0007475.

Allele frequency attached by ClinVar (database versions not stated): 1000 Genomes Project 0.00140; 1000 Genomes Project 30x 0.00141; gnomAD 0.00201 and 0.00206; gnomAD exomes 0.00216 and 0.00331; ExAC 0.00222; TOPMed 0.00257; ESP Exome Variant Server 0.00269.

Submissions (7):

Labcorp Genetics (formerly Invitae), Labcorp
Classification: Benign. Last evaluated: 2025-10-14. Review status: criteria provided, single submitter. Criteria: Invitae Variant Classification Sherloc (09022015). Collection method: clinical testing. Allele origin: germline.

Blueprint Genetics
Classification: Likely benign. Last evaluated: 2024-11-06. Review status: criteria provided, single submitter. Criteria: ACMG Guidelines, 2015. Collection method: clinical testing. Allele origin: germline.

CeGaT Center for Human Genetics Tuebingen
Classification: Likely benign. Last evaluated: 2022-09-01. Review status: criteria provided, single submitter. Criteria: CeGaT Center For Human Genetics Tuebingen Variant Classification Criteria Version 2. Collection method: clinical testing. Allele origin: germline. Affected: yes. Observed: 1 variant allele.
Comment: KRT1: BP4, BP7

Illumina Laboratory Services, Illumina
Classification: Benign for Diffuse nonepidermolytic palmoplantar keratoderma. Last evaluated: 2018-01-12. Review status: criteria provided, single submitter. Criteria: ICSL Variant Classification Criteria 13 December 2019. Collection method: clinical testing. Allele origin: germline.
Comment: This variant was observed in the ICSL laboratory as part of a predisposition screen in an ostensibly healthy population. It had not been previously curated by ICSL or reported in the Human Gene Mutation Database (HGMD: prior to June 1st, 2018), and was therefore a candidate for classification through an automated scoring system. Utilizing variant allele frequency, disease prevalence and penetrance estimates, and inheritance mode, an automated score was calculated to assess if this variant is too frequent to cause the disease. Based on the score and internal cut-off values, a variant classified as benign is not then subjected to further curation. The score for this variant resulted in a classification of benign for this disease.

Illumina Laboratory Services, Illumina
Classification: Benign for Epidermolytic hyperkeratosis 1. Last evaluated: 2018-01-12. Review status: criteria provided, single submitter. Criteria: ICSL Variant Classification Criteria 13 December 2019. Collection method: clinical testing. Allele origin: germline.
Comment: the same text as in the submission from Illumina Laboratory Services, Illumina above.

GeneDx
Classification: Likely benign. Last evaluated: 2017-06-29. Review status: criteria provided, single submitter. Criteria: GeneDx Variant Classification (06012015). Collection method: clinical testing. Allele origin: germline. Affected: yes.
Comment: This variant is considered likely benign or benign based on one or more of the following criteria: it is a conservative change, it occurs at a poorly conserved position in the protein, it is predicted to be benign by multiple in silico algorithms, and/or has population frequency not consistent with disease.

Breakthrough Genomics
Classification: Likely benign. Review status: criteria provided, single submitter. Criteria: ACMG Guidelines, 2015. Collection method: not provided. Allele origin: germline. Inheritance: Autosomal dominant inheritance. Affected: yes.